The following is an entry in ClinVar:

ClinVar aggregate classification (germline): Benign/Likely benign. Review status: criteria provided, multiple submitters, no conflicts (2 of 4 stars). 5 submissions from 5 submitters: Benign (1); Likely benign (4). Last evaluated 2024-11-26.

Conditions:
Inborn genetic diseases. Identifiers: MedGen C0950123, MeSH D030342.

Allele frequency attached by ClinVar (database versions not stated): ESP Exome Variant Server 0.00354; 1000 Genomes Project 0.00359; TOPMed 0.00370; 1000 Genomes Project 30x 0.00375; gnomAD 0.00405.

Submissions (5):

Blueprint Genetics
Classification: Likely benign. Last evaluated: 2024-11-26. Review status: criteria provided, single submitter. Criteria: ACMG Guidelines, 2015. Collection method: clinical testing. Allele origin: germline.

CeGaT Center for Human Genetics Tuebingen
Classification: Likely benign. Last evaluated: 2024-06-01. Review status: criteria provided, single submitter. Criteria: CeGaT Center For Human Genetics Tuebingen Variant Classification Criteria Version 2. Collection method: clinical testing. Allele origin: germline. Affected: yes. Observed: 1 variant allele.
Comment: SHANK3: BP4, BP7, BS1

GeneDx
Classification: Likely benign. Last evaluated: 2020-10-27. Review status: criteria provided, single submitter. Criteria: GeneDx Variant Classification Process June 2021. Collection method: clinical testing. Allele origin: germline. Affected: yes.

Ambry Genetics
Classification: Benign for Inborn genetic diseases. Last evaluated: 2017-05-10. Review status: criteria provided, single submitter. Criteria: Ambry Variant Classification Scheme 2023. Collection method: clinical testing. Allele origin: germline.

Breakthrough Genomics
Classification: Likely benign. Review status: criteria provided, single submitter. Criteria: ACMG Guidelines, 2015. Collection method: not provided. Allele origin: germline. Inheritance: Autosomal dominant inheritance. Affected: yes.

NM_001372044.2(SHANK3):c.885C>G (p.Leu295=)

Gene: SHANK3 (SH3 and multiple ankyrin repeat domains 3; plus strand). Cytogenetic location: 22q13.33.
Variant type: single nucleotide variant.
Coding change: c.885C>G on transcript NM_001372044.2 (MANE Select); coding-DNA position 885, C replaced by G.
Protein change: p.Leu295=; no amino-acid change (leucine 295 retained).
Molecular consequence: synonymous variant.
Genome position (GRCh38, 1-based): chr22:50,679,078, C>G. VCF-style: chr22-50679078-C-G. GRCh37 (hg19) VCF-style: chr22-51117506-C-G.
Other names: c.660C>G, p.Leu220= (NM_033517.1).
Identifiers: ClinVar variation 589767 (VCV000589767.28), dbSNP rs187348640, ClinGen allele CA10325295.